The following is an entry in ClinVar:

NM_001220484.1(HEATR4):c.473G>A (p.Arg158Gln)

Genes: ACOT1 (acyl-CoA thioesterase 1; plus strand), HEATR4 (HEAT repeat containing 4; minus strand). Cytogenetic location: 14q24.3.
Variant type: single nucleotide variant.
Coding change: c.473G>A on transcript NM_001220484.1 (MANE Select); coding-DNA position 473, G replaced by A.
Protein change: p.Arg158Gln; replaces arginine 158 with glutamine.
Molecular consequence: missense variant.
Genome position (GRCh38, 1-based): chr14:73,522,680, C>T on the plus strand (G>A on the coding strand, the complement: HEATR4 is on the minus strand). VCF-style: chr14-73522680-C-T. GRCh37 (hg19) VCF-style: chr14-73989384-C-T.
Other names: c.473G>A, p.Arg158Gln (NM_203309.2); short protein forms R158Q.
Identifiers: ClinVar variation 2644362 (VCV002644362.24), dbSNP rs144060453, ClinGen allele CA7260211.
Genomic context (GRCh38, chr14:73,522,680, plus strand): 5'-GGCCGACCCAGCATATCTGGATGCATGCAGGGATGATGGATGAGAGGGCGGGGTGCTTCC[C>T]GGACGGTGCTGGCTGGCTTTGATTTCTTCAGCTTCTTTTCGGGATTGGCAGAGCTTTCTG-3'
Protein context (NP_001207413.1, residues 148-168): LKKSKPASTV[Arg158Gln]EAPRPLIHHP

ClinVar aggregate classification (germline): Likely benign (1 of 4 stars; one submission).

Allele frequency attached by ClinVar (database versions not stated): gnomAD exomes 0.00058; ExAC 0.00154; ESP Exome Variant Server 0.00169; 1000 Genomes Project 30x 0.00312; 1000 Genomes Project 0.00319.
gnomAD v4.1: 1,159 of 1,614,172 alleles (0.072%); highest among the groups gnomAD compares: South Asian, 0.69%; 10 homozygotes.

Submission:

CeGaT Center for Human Genetics Tuebingen
Classification: Likely benign. Last evaluated: 2023-04-01. Review status: criteria provided, single submitter. Criteria: CeGaT Center For Human Genetics Tuebingen Variant Classification Criteria Version 2. Collection method: clinical testing. Allele origin: germline. Affected: yes. Observed: 1 variant allele.
Comment: HEATR4: BP4, BS2